The following is an entry in ClinVar:

ClinVar aggregate classification (germline): Uncertain significance (1 of 4 stars; one submission).

Allele frequency attached by ClinVar (database versions not stated): gnomAD exomes below 0.00001.

Submission:

Labcorp Genetics (formerly Invitae), Labcorp
Classification: Uncertain significance. Last evaluated: 2021-08-03. Review status: criteria provided, single submitter. Criteria: Invitae Variant Classification Sherloc (09022015). Collection method: clinical testing. Allele origin: germline.
Comment: This variant has not been reported in the literature in individuals with PSMB4-related conditions. Algorithms developed to predict the effect of missense changes on protein structure and function output the following: SIFT: "Tolerated"; PolyPhen-2: "Benign"; Align-GVGD: "Class C0". The valine amino acid residue is found in multiple mammalian species, suggesting that this missense change does not adversely affect protein function. These predictions have not been confirmed by published functional studies and their clinical significance is uncertain. In summary, the available evidence is currently insufficient to determine the role of this variant in disease. Therefore, it has been classified as a Variant of Uncertain Significance. This sequence change replaces methionine with valine at codon 155 of the PSMB4 protein (p.Met155Val). The methionine residue is moderately conserved and there is a small physicochemical difference between methionine and valine. This variant is not present in population databases (ExAC no frequency).

NM_002796.3(PSMB4):c.463A>G (p.Met155Val)

Gene: PSMB4 (proteasome 20S subunit beta 4; plus strand). Cytogenetic location: 1q21.3.
Variant type: single nucleotide variant.
Coding change: c.463A>G on transcript NM_002796.3 (MANE Select); coding-DNA position 463, A replaced by G.
Protein change: p.Met155Val; replaces methionine 155 with valine.
Molecular consequence: missense variant.
Genome position (GRCh38, 1-based): chr1:151,400,557, A>G. VCF-style: chr1-151400557-A-G. GRCh37 (hg19) VCF-style: chr1-151373033-A-G.
Other names: short protein forms M155V.
Identifiers: ClinVar variation 1426906 (VCV001426906.8), dbSNP rs1652774142, ClinGen allele CA341924590.